The following is an entry in ClinVar:

NM_014263.4(YME1L1):c.691+15_691+16inv

Gene: YME1L1 (YME1 like 1 ATPase; minus strand). Cytogenetic location: 10p12.1.
Variant type: Inversion.
Coding change: c.691+15_691+16inv on transcript NM_014263.4 (MANE Select).
Molecular consequence: intron variant.
Genome position: GRCh38 VCF-style: chr10-27134815-TG-CA. GRCh37 (hg19) VCF-style: chr10-27423744-TG-CA.
Other names: c.592+15_592+16inv (NM_001253866.2); c.862+15_862+16inv (NM_139312.3).
Identifiers: ClinVar variation 2984211 (VCV002984211.3), ClinGen allele CA2740092976.

ClinVar aggregate classification (germline): Uncertain significance (1 of 4 stars; one submission).

Submission:

Labcorp Genetics (formerly Invitae), Labcorp
Classification: Uncertain significance. Last evaluated: 2023-11-08. Review status: criteria provided, single submitter. Criteria: Invitae Variant Classification Sherloc (09022015). Collection method: clinical testing. Allele origin: germline.
Comment: This sequence change falls in intron 7 of the YME1L1 gene. It does not directly change the encoded amino acid sequence of the YME1L1 protein. Information on the frequency of this variant in the gnomAD database is not available, as this variant may be reported differently in the database. This variant has not been reported in the literature in individuals affected with YME1L1-related conditions. Experimental studies and prediction algorithms are not available or were not evaluated, and the effect of this variant on mRNA splicing is currently unknown. In summary, the available evidence is currently insufficient to determine the role of this variant in disease. Therefore, it has been classified as a Variant of Uncertain Significance.